The following is an entry in ClinVar:

NM_000492.4(CFTR):c.3119T>C (p.Leu1040Pro)

Genes: CFTR (CF transmembrane conductance regulator; plus strand), CFTR-AS2 (CFTR antisense RNA 2; minus strand), LOC111674472 (DNase I hypersensitive sites in introns 16 and 17a of CFTR; plus strand). Cytogenetic location: 7q31.2.
Variant type: single nucleotide variant.
Coding change: c.3119T>C on transcript NM_000492.4 (MANE Select); coding-DNA position 3119, T replaced by C.
Protein change: p.Leu1040Pro; replaces leucine 1040 with proline.
Molecular consequence: missense variant.
Genome position (GRCh38, 1-based): chr7:117,610,649, T>C. VCF-style: chr7-117610649-T-C. GRCh37 (hg19) VCF-style: chr7-117250703-T-C.
Other names: short protein forms L1040P.
Identifiers: ClinVar variation 2443363 (VCV002443363.7), dbSNP rs2485129143, ClinGen allele CA368990824.

ClinVar aggregate classification (germline): Uncertain significance. Review status: criteria provided, multiple submitters, no conflicts (2 of 4 stars). 4 submissions from 4 submitters: Uncertain significance (3). 1 of the submissions does not count toward it. Last evaluated 2026-03-25.

Conditions:
Cystic fibrosis (CF). Also called: MUCOVISCIDOSIS. Identifiers: Orphanet 586, MedGen C0010674, MONDO:0009061, OMIM 219700. Disease mechanism: loss of function.
Congenital bilateral aplasia of vas deferens from CFTR mutation (CBAVD). Identifiers: Orphanet 48, MedGen C0403814, MONDO:0010178, OMIM 277180. Disease mechanism: loss of function.

Allele frequency attached by ClinVar (database versions not stated): gnomAD exomes below 0.00001.
gnomAD v4.1: 1 of 1,613,538 alleles (0.000062%); highest among the groups gnomAD compares: South Asian, 0.0011%; no homozygotes.

Submissions (4):

Institute of Immunology and Genetics Kaiserslautern
Classification: Uncertain significance for Cystic fibrosis; Congenital bilateral aplasia of vas deferens from CFTR mutation. Last evaluated: 2026-03-25. Review status: criteria provided, single submitter. Criteria: ACMG Guidelines, 2015. Collection method: clinical testing. Allele origin: germline. Affected: yes.
Comment: ACMG Criteria: PM1, PM2_P, PP3; Variant was found in heterozygous state together with another CFTR variant: CFTR(NM_000492.4):c.2476G>A

Labcorp Genetics (formerly Invitae), Labcorp
Classification: Uncertain significance for Cystic fibrosis. Last evaluated: 2025-08-15. Review status: criteria provided, single submitter. Criteria: Invitae Variant Classification Sherloc (09022015). Collection method: clinical testing. Allele origin: germline.
Comment: This sequence change replaces leucine, which is neutral and non-polar, with proline, which is neutral and non-polar, at codon 1040 of the CFTR protein (p.Leu1040Pro). This variant is not present in population databases (gnomAD no frequency). This missense change has been observed in individual(s) with cystic fibrosis (PMID: 38966678). ClinVar contains an entry for this variant (Variation ID: 2443363). Invitae Evidence Modeling of protein sequence and biophysical properties (such as structural, functional, and spatial information, amino acid conservation, physicochemical variation, residue mobility, and thermodynamic stability) indicates that this missense variant is expected to disrupt CFTR protein function with a positive predictive value of 80%. In summary, the available evidence is currently insufficient to determine the role of this variant in disease. Therefore, it has been classified as a Variant of Uncertain Significance.

Women's Health and Genetics/Laboratory Corporation of America, LabCorp
Classification: Uncertain significance. Last evaluated: 2025-08-14. Review status: criteria provided, single submitter. Criteria: LabCorp Variant Classification Summary - May 2015. Collection method: clinical testing. Allele origin: germline.
Comment: Variant summary: CFTR c.3119T>C (p.Leu1040Pro) results in a non-conservative amino acid change located in the ABC transporter type 1, transmembrane domain (IPR011527) of the encoded protein sequence. Algorithms developed to predict the effect of missense changes on protein structure and function all suggest that this variant is likely to be disruptive. The variant was absent in 250858 control chromosomes. c.3119T>C has been reported in the presumed compound heterozygous state in the literature in individuals affected with Cystic Fibrosis (example, Sinha_2022, Varkki_2024). These data indicate that the variant may be associated with disease. To our knowledge, no experimental evidence demonstrating an impact on protein function has been reported. The following publications have been ascertained in the context of this evaluation (PMID: 35006361, 38966678). ClinVar contains an entry for this variant (Variation ID: 2443363). Based on the evidence outlined above, the variant was classified as VUS-possibly pathogenic.

Clinical Genetics Laboratory, Christian Medical College, Vellore
Classification: Likely pathogenic for Cystic fibrosis. Review status: no assertion criteria provided. Criteria: ACMG Guidelines, 2015. Collection method: clinical testing. Allele origin: germline. Affected: yes. Not counted in ClinVar's aggregate classification.

Literature cited by the submitters: PubMed 38966678 (cited by Labcorp Genetics (formerly Invitae), Labcorp and Women's Health and Genetics/Laboratory Corporation of America, LabCorp); PubMed 35006361 (cited by Women's Health and Genetics/Laboratory Corporation of America, LabCorp).